The following is an entry in ClinVar:

NM_003482.4(KMT2D):c.6953G>T (p.Gly2318Val)

Gene: KMT2D (lysine methyltransferase 2D; minus strand). Cytogenetic location: 12q13.12.
Variant type: single nucleotide variant.
Coding change: c.6953G>T on transcript NM_003482.4 (MANE Select); coding-DNA position 6953, G replaced by T.
Protein change: p.Gly2318Val; replaces glycine 2318 with valine.
Molecular consequence: missense variant.
Genome position (GRCh38, 1-based): chr12:49,040,817, C>A on the plus strand (G>T on the coding strand, the complement: KMT2D is on the minus strand). VCF-style: chr12-49040817-C-A. GRCh37 (hg19) VCF-style: chr12-49434600-C-A.
Other names: short protein forms G2318V.
Identifiers: ClinVar variation 2892045 (VCV002892045.3), dbSNP rs773922956, ClinGen allele CA384749217.

ClinVar aggregate classification (germline): Uncertain significance (1 of 4 stars; one submission).

Conditions:
Kabuki syndrome. Also called: Kabuki make-up syndrome; NIIKAWA-KUROKI SYNDROME. Identifiers: Orphanet 2322, MedGen C0796004, MONDO:0016512.

gnomAD v4.1: 2 of 1,613,556 alleles (0.00012%); highest among the groups gnomAD compares: Non-Finnish European, 0.000085%; no homozygotes.

Submission:

Labcorp Genetics (formerly Invitae), Labcorp
Classification: Uncertain significance for Kabuki syndrome. Last evaluated: 2024-08-27. Review status: criteria provided, single submitter. Criteria: Invitae Variant Classification Sherloc (09022015). Collection method: clinical testing. Allele origin: germline.
Comment: This sequence change replaces glycine, which is neutral and non-polar, with valine, which is neutral and non-polar, at codon 2318 of the KMT2D protein (p.Gly2318Val). This variant is not present in population databases (gnomAD no frequency). This variant has not been reported in the literature in individuals affected with KMT2D-related conditions. Invitae Evidence Modeling of protein sequence and biophysical properties (such as structural, functional, and spatial information, amino acid conservation, physicochemical variation, residue mobility, and thermodynamic stability) indicates that this missense variant is not expected to disrupt KMT2D protein function with a negative predictive value of 95%. In summary, the available evidence is currently insufficient to determine the role of this variant in disease. Therefore, it has been classified as a Variant of Uncertain Significance.